The following is an entry in ClinVar:

ClinVar aggregate classification (germline): Uncertain significance (1 of 4 stars; one submission).

Conditions:
Inborn genetic diseases. Identifiers: MedGen C0950123, MeSH D030342.

gnomAD v4.1: 2 of 1,588,822 alleles (0.00013%); highest among the groups gnomAD compares: Non-Finnish European, 0.00017%; no homozygotes.

Submission:

Ambry Genetics
Classification: Uncertain significance for Inborn genetic diseases. Last evaluated: 2025-11-03. Review status: criteria provided, single submitter. Criteria: Ambry Variant Classification Scheme 2023. Collection method: clinical testing. Allele origin: germline.
Comment: The p.R751K variant (also known as c.2252G>A), located in coding exon 25 of the FANCA gene, results from a G to A substitution at nucleotide position 2252. The arginine at codon 751 is replaced by lysine, an amino acid with highly similar properties. This amino acid position is conserved. In addition, this alteration is predicted to be tolerated by in silico analysis. Based on the available evidence, the clinical significance of this variant remains unclear.

NM_000135.4(FANCA):c.2252G>A (p.Arg751Lys)

Gene: FANCA (FA complementation group A; minus strand). Cytogenetic location: 16q24.3.
Variant type: single nucleotide variant.
Coding change: c.2252G>A on transcript NM_000135.4 (MANE Select); coding-DNA position 2252, G replaced by A.
Protein change: p.Arg751Lys; replaces arginine 751 with lysine.
Molecular consequence: missense variant.
Genome position (GRCh38, 1-based): chr16:89,770,230, C>T on the plus strand (G>A on the coding strand, the complement: FANCA is on the minus strand). VCF-style: chr16-89770230-C-T. GRCh37 (hg19) VCF-style: chr16-89836638-C-T.
Other names: c.2252G>A, p.Arg751Lys (NM_001286167.3); short protein forms R751K.
Identifiers: ClinVar variation 4619243 (VCV004619243.1).
Genomic context (GRCh38, chr16:89,770,230, plus strand): 5'-TGACGGAGCAGCTGGCAGAGCCGGGTGAGCACTGCAGGGAGCACACGTCCACACATGGTC[C>T]TCACGAAGAGGGCAGCCCAGGGACCCTGCCTGCAGAGACAGCCGTGAAACCATCAGTACT-3'
Protein context (NP_000126.2, residues 741-761): RQGPWAALFV[Arg751Lys]TMCGRVLPAV